The following is an entry in ClinVar:

ClinVar aggregate classification (germline): Uncertain significance. Review status: criteria provided, multiple submitters, no conflicts (2 of 4 stars). 3 submissions from 3 submitters: Uncertain significance (3). Last evaluated 2025-10-03.

Conditions:
Hereditary cancer-predisposing syndrome. Also called: Neoplastic Syndromes, Hereditary; Hereditary Cancer Syndrome; Tumor predisposition; Hereditary neoplastic syndrome. Identifiers: Orphanet 140162, MedGen C0027672, MeSH D009386, MONDO:0015356.

Allele frequency attached by ClinVar (database versions not stated): TOPMed below 0.00001.

Submissions (3):

Labcorp Genetics (formerly Invitae), Labcorp
Classification: Uncertain significance. Last evaluated: 2025-10-03. Review status: criteria provided, single submitter. Criteria: Invitae Variant Classification Sherloc (09022015). Collection method: clinical testing. Allele origin: germline.
Comment: This sequence change replaces threonine, which is neutral and polar, with isoleucine, which is neutral and non-polar, at codon 1188 of the POLE protein (p.Thr1188Ile). This variant is not present in population databases (gnomAD no frequency). This variant has not been reported in the literature in individuals affected with POLE-related conditions. ClinVar contains an entry for this variant (Variation ID: 852159). Invitae Evidence Modeling of protein sequence and biophysical properties (such as structural, functional, and spatial information, amino acid conservation, physicochemical variation, residue mobility, and thermodynamic stability) indicates that this missense variant is not expected to disrupt POLE protein function with a negative predictive value of 80%. In summary, the available evidence is currently insufficient to determine the role of this variant in disease. Therefore, it has been classified as a Variant of Uncertain Significance.

Center for Genomic Medicine, Rigshospitalet, Copenhagen University Hospital
Classification: Uncertain significance. Last evaluated: 2025-03-04. Review status: criteria provided, single submitter. Criteria: ACMG Guidelines, 2015. Collection method: clinical testing. Allele origin: germline.

Ambry Genetics
Classification: Uncertain significance for Hereditary cancer-predisposing syndrome. Last evaluated: 2023-06-09. Review status: criteria provided, single submitter. Criteria: Ambry Variant Classification Scheme 2023. Collection method: clinical testing. Allele origin: germline.
Comment: The p.T1188I variant (also known as c.3563C>T), located in coding exon 29 of the POLE gene, results from a C to T substitution at nucleotide position 3563. The threonine at codon 1188 is replaced by isoleucine, an amino acid with similar properties. This amino acid position is conserved. In addition, this alteration is predicted to be tolerated by in silico analysis. Since supporting evidence is limited at this time, the clinical significance of this alteration remains unclear.

NM_006231.4(POLE):c.3563C>T (p.Thr1188Ile)

Gene: POLE (DNA polymerase epsilon, catalytic subunit; minus strand). Cytogenetic location: 12q24.33.
Variant type: single nucleotide variant.
Coding change: c.3563C>T on transcript NM_006231.4 (MANE Select); coding-DNA position 3563, C replaced by T.
Protein change: p.Thr1188Ile; replaces threonine 1188 with isoleucine.
Molecular consequence: missense variant.
Genome position (GRCh38, 1-based): chr12:132,657,155, G>A on the plus strand (C>T on the coding strand, the complement: POLE is on the minus strand). VCF-style: chr12-132657155-G-A. GRCh37 (hg19) VCF-style: chr12-133233741-G-A.
Other names: c.3563C>T (NM_006231.2); short protein forms T1188I.
Identifiers: ClinVar variation 852159 (VCV000852159.18), dbSNP rs1565952926, ClinGen allele CA387388342.